The following is an entry in ClinVar:

NM_000093.5(COL5A1):c.2032C>T (p.Pro678Ser)

Gene: COL5A1 (collagen type V alpha 1 chain; plus strand). Cytogenetic location: 9q34.3.
Variant type: single nucleotide variant.
Coding change: c.2032C>T on transcript NM_000093.5 (MANE Select); coding-DNA position 2032, C replaced by T.
Protein change: p.Pro678Ser; replaces proline 678 with serine.
Molecular consequence: missense variant.
Genome position (GRCh38, 1-based): chr9:134,763,735, C>T. VCF-style: chr9-134763735-C-T. GRCh37 (hg19) VCF-style: chr9-137655581-C-T.
Other names: p.P678S:CCC>TCC; c.2032C>T, p.Pro678Ser (NM_001278074.1); short protein forms P678S.
Identifiers: ClinVar variation 212945 (VCV000212945.2), dbSNP rs756190610, ClinGen allele CA325048.

ClinVar aggregate classification (germline): Uncertain significance (1 of 4 stars; one submission).

Allele frequency attached by ClinVar (database versions not stated): gnomAD exomes below 0.00001 and 0.00001; TOPMed below 0.00001; ExAC 0.00001; gnomAD 0.00001.
gnomAD v4.1: 4 of 1,613,316 alleles (0.00025%); highest among the groups gnomAD compares: Non-Finnish European, 0.00034%; no homozygotes.

Submission:

GeneDx
Classification: Uncertain significance. Last evaluated: 2013-12-26. Review status: criteria provided, single submitter. Criteria: GeneDx Variant Classification (06012015). Collection method: clinical testing. Allele origin: germline. Affected: yes.
Comment: Pro678Ser(CCC>TCC: c.2032 C>T in exon 20 of the COL5A1 gene (NM_000093.3)The Pro678Ser variant in the COL5A1 gene has not been reported as a disease-causing mutation or as a benign polymorphism to our knowledge. The Pro678Ser variant is a non-conservative amino acid substitution as these residues differ in polarity, charge, size and/or other properties and is more likely to impact secondary structure. The Pro678Ser residue is conserved in mammals. The Pro678Ser variant was not observed in approximately 6,500 individuals of European and African American ancestry in the NHLBI Exome Sequencing Project, indicating it is not a common benign variant in these populations. However, in silico algorithms are not consistent in their predictions but at least two concur that Pro678Ser is benign to the protein structure/function. Additionally, no mutations in nearby residues have been reported in association with classic-type, indicating this region of the protein may tolerate change. With the clinical and molecular information available at this time, we cannot definitively determine if Pro678Ser is a disease-causing mutation or a rare benign variant. The pathogenic role for this variant would be further supported if it occurred de novo or if it co-segregates with a classic-type EDS phenotype or related disorder.This variant was found in TAAD